The following is an entry in ClinVar:

NM_001122752.2(SERPINI1):c.914A>T (p.Asp305Val)

Gene: SERPINI1 (serpin family I member 1; plus strand). Cytogenetic location: 3q26.1.
Variant type: single nucleotide variant.
Coding change: c.914A>T on transcript NM_001122752.2 (MANE Select); coding-DNA position 914, A replaced by T.
Protein change: p.Asp305Val; replaces aspartic acid 305 with valine.
Molecular consequence: missense variant.
Genome position (GRCh38, 1-based): chr3:167,807,276, A>T. VCF-style: chr3-167807276-A-T. GRCh37 (hg19) VCF-style: chr3-167525064-A-T.
Other names: c.914A>T, p.Asp305Val (NM_005025.5); short protein forms D305V.
Identifiers: ClinVar variation 843682 (VCV000843682.10), dbSNP rs756818970, ClinGen allele CA2694924.

ClinVar aggregate classification (germline): Uncertain significance. Review status: criteria provided, multiple submitters, no conflicts (2 of 4 stars). 2 submissions from 2 submitters: Uncertain significance (2). Last evaluated 2024-09-17.

Conditions:
Familial encephalopathy with neuroserpin inclusion bodies. Also called: ENCEPHALOPATHY, FAMILIAL, WITH COLLINS BODIES. Identifiers: Orphanet 85110, MedGen C1858680, MONDO:0011412, OMIM 604218.

Allele frequency attached by ClinVar (database versions not stated): gnomAD 0.00001; ExAC 0.00002; gnomAD exomes 0.00002.
gnomAD v4.1: 27 of 1,612,742 alleles (0.0017%); highest among the groups gnomAD compares: Middle Eastern, 0.033%; no homozygotes.

Submissions (2):

Revvity Omics, Revvity
Classification: Uncertain significance for Familial encephalopathy with neuroserpin inclusion bodies. Last evaluated: 2024-09-17. Review status: criteria provided, single submitter. Criteria: ACMG Guidelines, 2015. Collection method: clinical testing. Allele origin: germline.

Labcorp Genetics (formerly Invitae), Labcorp
Classification: Uncertain significance for Familial encephalopathy with neuroserpin inclusion bodies. Last evaluated: 2023-08-10. Review status: criteria provided, single submitter. Criteria: Invitae Variant Classification Sherloc (09022015). Collection method: clinical testing. Allele origin: germline.
Comment: In summary, the available evidence is currently insufficient to determine the role of this variant in disease. Therefore, it has been classified as a Variant of Uncertain Significance. Advanced modeling of protein sequence and biophysical properties (such as structural, functional, and spatial information, amino acid conservation, physicochemical variation, residue mobility, and thermodynamic stability) performed at Invitae indicates that this missense variant is not expected to disrupt SERPINI1 protein function. ClinVar contains an entry for this variant (Variation ID: 843682). This variant has not been reported in the literature in individuals affected with SERPINI1-related conditions. This variant is present in population databases (rs756818970, gnomAD 0.02%). This sequence change replaces aspartic acid, which is acidic and polar, with valine, which is neutral and non-polar, at codon 305 of the SERPINI1 protein (p.Asp305Val).